The following is an entry in ClinVar:

ClinVar aggregate classification (germline): Uncertain significance (1 of 4 stars; one submission).

Submission:

GeneDx
Classification: Uncertain significance. Last evaluated: 2021-05-17. Review status: criteria provided, single submitter. Criteria: GeneDx Variant Classification Process June 2021. Collection method: clinical testing. Allele origin: germline. Affected: yes.
Comment: Not observed in large population cohorts (Lek et al., 2016); In silico analysis supports a deleterious effect on protein structure/function; Has not been previously published as pathogenic or benign to our knowledge

NM_001038603.3(MARVELD2):c.199GAA[1] (p.Glu68del)

Gene: MARVELD2 (MARVEL domain containing 2; plus strand). Cytogenetic location: 5q13.2.
Variant type: Microsatellite.
Coding change: c.199GAA[1] on transcript NM_001038603.3 (MANE Select); one copy of the 3-base unit GAA starting at c.199; the reference has two copies in a row; one copy, 3 bases deleted.
Protein change: p.Glu68del; deletes glutamic acid 68.
Molecular consequence: inframe deletion.
Genome position (GRCh38, 1-based): chr5:69,419,587-69,419,589, GAA deleted; deleting any 3 consecutive bases within chr5:69,419,583-69,419,589 gives the same sequence; the position shown is the placement nearest the transcript's 3' end. VCF-style (leftmost placement, unchanged base first): chr5-69419582-CAGA-C. GRCh37 (hg19) VCF-style: chr5-68715409-CAGA-C.
Other names: c.199GAA[1], p.Glu68del (NM_001244734.2); short protein forms E68del.
Identifiers: ClinVar variation 1325909 (VCV001325909.2), dbSNP rs1766539157, ClinGen allele CA1077191978.